The following is an entry in ClinVar:

NM_130811.4(SNAP25):c.593G>C (p.Arg198Pro)

Gene: SNAP25 (synaptosome associated protein 25; plus strand). Cytogenetic location: 20p12.2.
Variant type: single nucleotide variant.
Coding change: c.593G>C on transcript NM_130811.4 (MANE Select); coding-DNA position 593, G replaced by C.
Protein change: p.Arg198Pro; replaces arginine 198 with proline.
Molecular consequence: missense variant.
Genome position (GRCh38, 1-based): chr20:10,306,169, G>C. VCF-style: chr20-10306169-G-C. GRCh37 (hg19) VCF-style: chr20-10286817-G-C.
Other names: c.593G>C, p.Arg198Pro (NM_001322902.2, NM_001322903.2, NM_001322904.2 and 7 more transcripts); short protein forms R198P.
Identifiers: ClinVar variation 1066155 (VCV001066155.13), dbSNP rs2064355563, ClinGen allele CA408266896.

ClinVar aggregate classification (germline): Pathogenic/Likely pathogenic. Review status: criteria provided, multiple submitters, no conflicts (2 of 4 stars). 4 submissions from 4 submitters: Pathogenic (1); Likely pathogenic (3). Last evaluated 2022-01-03.

Conditions:
Developmental and epileptic encephalopathy. Identifiers: MedGen C5779964, MONDO:0100620.
SNAP25 related neurodevelopmental disorder.
Congenital myasthenic syndrome 18. Also called: MYASTHENIC SYNDROME, CONGENITAL, 18, WITH INTELLECTUAL DISABILITY AND ATAXIA. Identifiers: Orphanet 590, MedGen C4225364, MONDO:0014590, OMIM 616330.

Submissions (4):

3billion
Classification: Likely pathogenic for SNAP25 related neurodevelopmental disorder. Last evaluated: 2022-01-03. Review status: criteria provided, single submitter. Criteria: ACMG Guidelines, 2015. Collection method: clinical testing. Allele origin: germline. Affected: yes. Observed: 1 heterozygote.
Comment: Same nucleotide change resulting in same amino acid change has been previously reported as pathogenic/likely pathogenic with strong evidence (ClinVar ID: VCV001066155, PS1_S). The variant has been previously reported as de novo in a similarly affected individual (PMID: 33299146, PS2_S). A missense variant is a common mechanism associated with SNAP25-related developmental delays and epileptic encephalopathies (PP2_P). It is not observed in the gnomAD v2.1.1 dataset (PM2_M). Therefore, this variant is classified as likely pathogenic according to the recommendation of ACMG/AMP guideline.

Institute of Human Genetics, University of Leipzig Medical Center
Classification: Likely pathogenic for Early-infantile DEE. Last evaluated: 2020-07-15. Review status: criteria provided, single submitter. Criteria: ACMG Guidelines, 2015. Collection method: clinical testing. Allele origin: de novo. Affected: yes.
Comment: This variant was identified as de novo (maternity and paternity confirmed).

Labcorp Genetics (formerly Invitae), Labcorp
Classification: Likely pathogenic for Congenital myasthenic syndrome 18. Last evaluated: 2020-04-02. Review status: criteria provided, single submitter. Criteria: Invitae Variant Classification Sherloc (09022015). Collection method: clinical testing. Allele origin: germline.
Comment: In summary, the currently available evidence indicates that the variant is pathogenic, but additional data are needed to prove that conclusively. Therefore, this variant has been classified as Likely Pathogenic. This sequence change replaces arginine with proline at codon 198 of the SNAP25 protein (p.Arg198Pro). The arginine residue is highly conserved and there is a moderate physicochemical difference between arginine and proline. This variant is not present in population databases (ExAC no frequency). This variant has been observed in individual(s) with clinical features of early infantile epileptic encephalopathy (Invitae). In at least one individual the variant was observed to be de novo. Algorithms developed to predict the effect of missense changes on protein structure and function are either unavailable or do not agree on the potential impact of this missense change (SIFT: "Deleterious"; PolyPhen-2: "Possibly Damaging"; Align-GVGD: "Class C0").

Medical Genetic Diagnosis and Therapy Center, Fujian Maternity and Child Health Hospital
Classification: Pathogenic for Congenital myasthenic syndrome 18. Review status: criteria provided, single submitter. Criteria: ACMG Guidelines, 2015. Collection method: clinical testing. Allele origin: de novo. Inheritance: Autosomal dominant inheritance. Affected: yes. Observed: 1 variant allele, 1 heterozygote.
Comment: It is absent from population databases (gnomAD) (PM2_Supporting) and affects a residue in a critical functional domain where pathogenic missense variants have been reported (PM1). This variant has previously been reported de novo in individuals with early-onset developmental and epileptic encephalopathy (PMID: 33299146) and is classified as likely pathogenic by multiple submitters in ClinVar (VCV001066155.12). The variant was confirmed by Sanger sequencing. In summary, this variant is classified as pathogenic based on the ACMG/AMP guidelines: PS2_VeryStrong, PM1, PM2_Supporting.

Literature cited by the submitters: PubMed 33299146 (cited by 3 submitters).